The following is an entry in ClinVar:

ClinVar aggregate classification (germline): Uncertain significance (1 of 4 stars; one submission).

Conditions:
Hereditary spastic paraplegia 4. Also called: Spastic paraplegia 4, autosomal dominant; Spastic Paraplegia 4; Familial spastic paraplegia autosomal dominant 2. Identifiers: Orphanet 100985, MedGen C1866855, MONDO:0008438, OMIM 182601.

gnomAD v4.1: 9 of 1,613,766 alleles (0.00056%); highest among the groups gnomAD compares: Non-Finnish European, 0.00076%; no homozygotes.

Submission:

Labcorp Genetics (formerly Invitae), Labcorp
Classification: Uncertain significance for Hereditary spastic paraplegia 4. Last evaluated: 2023-04-26. Review status: criteria provided, single submitter. Criteria: Invitae Variant Classification Sherloc (09022015). Collection method: clinical testing. Allele origin: germline.
Comment: In summary, the available evidence is currently insufficient to determine the role of this variant in disease. Therefore, it has been classified as a Variant of Uncertain Significance. Advanced modeling of protein sequence and biophysical properties (such as structural, functional, and spatial information, amino acid conservation, physicochemical variation, residue mobility, and thermodynamic stability) performed at Invitae indicates that this missense variant is not expected to disrupt SPAST protein function. ClinVar contains an entry for this variant (Variation ID: 1009404). This variant has not been reported in the literature in individuals affected with SPAST-related conditions. This variant is not present in population databases (gnomAD no frequency). This sequence change replaces aspartic acid, which is acidic and polar, with glutamic acid, which is acidic and polar, at codon 214 of the SPAST protein (p.Asp214Glu).

NM_014946.4(SPAST):c.642C>A (p.Asp214Glu)

Gene: SPAST (spastin; plus strand). Cytogenetic location: 2p22.3.
Variant type: single nucleotide variant.
Coding change: c.642C>A on transcript NM_014946.4 (MANE Select); coding-DNA position 642, C replaced by A.
Protein change: p.Asp214Glu; replaces aspartic acid 214 with glutamic acid.
Molecular consequence: missense variant. On other transcripts: intron variant (3).
Genome position (GRCh38, 1-based): chr2:32,098,851, C>A. VCF-style: chr2-32098851-C-A. GRCh37 (hg19) VCF-style: chr2-32323920-C-A.
Other names: c.639C>A, p.Asp213Glu (NM_001363823.2); c.586+9246C>A (NM_199436.2, NM_001377959.1); c.583+9246C>A (NM_001363875.2); short protein forms D213E, D214E.
Identifiers: ClinVar variation 1009404 (VCV001009404.8), dbSNP rs1678016729, ClinGen allele CA346603955.